The following is an entry in ClinVar:

NM_199420.4(POLQ):c.1633A>G (p.Ser545Gly)

Gene: POLQ (DNA polymerase theta; minus strand). Cytogenetic location: 3q13.33.
Variant type: single nucleotide variant.
Coding change: c.1633A>G on transcript NM_199420.4 (MANE Select); coding-DNA position 1633, A replaced by G.
Protein change: p.Ser545Gly; replaces serine 545 with glycine.
Molecular consequence: missense variant.
Genome position (GRCh38, 1-based): chr3:121,510,222, T>C on the plus strand (A>G on the coding strand, the complement: POLQ is on the minus strand). VCF-style: chr3-121510222-T-C. GRCh37 (hg19) VCF-style: chr3-121229069-T-C.
Other names: short protein forms S545G.
Identifiers: ClinVar variation 2448997 (VCV002448997.2), dbSNP rs2546802721, ClinGen allele CA354115270.

ClinVar aggregate classification (germline): Uncertain significance (1 of 4 stars; one submission).

Submission:

Ambry Genetics
Classification: Uncertain significance. Last evaluated: 2023-02-04. Review status: criteria provided, single submitter. Criteria: Ambry Variant Classification Scheme 2023. Collection method: clinical testing. Allele origin: germline.
Comment: The p.S545G variant (also known as c.1633A>G), located in coding exon 11 of the POLQ gene, results from an A to G substitution at nucleotide position 1633. The serine at codon 545 is replaced by glycine, an amino acid with similar properties. This amino acid position is conserved. In addition, this alteration is predicted to be tolerated by in silico analysis. Since supporting evidence is limited at this time, the clinical significance of this alteration remains unclear.